The following is an entry in ClinVar:

NM_001142966.3(GREB1L):c.889C>G (p.Pro297Ala)

Genes: GREB1L (GREB1 like retinoic acid receptor coactivator; plus strand), GREB1L-AS1 (GREB1L antisense RNA 1; minus strand). Cytogenetic location: 18q11.1.
Variant type: single nucleotide variant.
Coding change: c.889C>G on transcript NM_001142966.3 (MANE Select); coding-DNA position 889, C replaced by G.
Protein change: p.Pro297Ala; replaces proline 297 with alanine.
Molecular consequence: missense variant.
Genome position (GRCh38, 1-based): chr18:21,439,577, C>G. VCF-style: chr18-21439577-C-G. GRCh37 (hg19) VCF-style: chr18-19019538-C-G.
Other names: c.1018C>G, p.Pro340Ala (NM_001410867.1); c.889C>G, p.Pro297Ala (NM_001410868.1); c.889C>G (NM_001142966.1); short protein forms P297A, P340A.
Identifiers: ClinVar variation 3375031 (VCV003375031.3).

ClinVar aggregate classification (germline): Uncertain significance. Review status: criteria provided, multiple submitters, no conflicts (2 of 4 stars). 3 submissions from 3 submitters: Uncertain significance (3). Last evaluated 2025-12-31.

Conditions:
GREB1L-related disorder. Also called: GREB1L-related condition.

gnomAD v4.1: 24 of 1,551,950 alleles (0.0015%); highest among the groups gnomAD compares: Admixed American, 0.016%; no homozygotes.

Submissions (3):

PreventionGenetics, part of Exact Sciences
Classification: Uncertain significance for GREB1L-related condition. Last evaluated: 2025-12-31. Review status: criteria provided, single submitter. Criteria: ACMG Guidelines, 2015. Collection method: clinical testing. Allele origin: germline.
Comment: The GREB1L c.889C>G variant is predicted to result in the amino acid substitution p.Pro297Ala. To our knowledge, this variant has not been reported in the literature. This variant is reported in 0.032% of alleles in individuals of Latino descent in gnomAD, which may be too common to be a primary cause of disease. At this time, the clinical significance of this variant is uncertain due to the absence of conclusive functional and genetic evidence.

Labcorp Genetics (formerly Invitae), Labcorp
Classification: Uncertain significance. Last evaluated: 2025-08-06. Review status: criteria provided, single submitter. Criteria: Invitae Variant Classification Sherloc (09022015). Collection method: clinical testing. Allele origin: germline.
Comment: This sequence change replaces proline, which is neutral and non-polar, with alanine, which is neutral and non-polar, at codon 297 of the GREB1L protein (p.Pro297Ala). This variant is present in population databases (rs555927212, gnomAD 0.03%). This variant has not been reported in the literature in individuals affected with GREB1L-related conditions. ClinVar contains an entry for this variant (Variation ID: 3375031). An algorithm developed to predict the effect of missense changes on protein structure and function (PolyPhen-2) suggests that this variant is likely to be tolerated. In summary, the available evidence is currently insufficient to determine the role of this variant in disease. Therefore, it has been classified as a Variant of Uncertain Significance.

Women's Health and Genetics/Laboratory Corporation of America, LabCorp
Classification: Uncertain significance. Last evaluated: 2024-09-05. Review status: criteria provided, single submitter. Criteria: LabCorp Variant Classification Summary - May 2015. Collection method: clinical testing. Allele origin: germline.
Comment: Variant summary: GREB1L c.889C>G (p.Pro297Ala) results in a non-conservative amino acid change in the encoded protein sequence. Four of five in-silico tools predict a benign effect of the variant on protein function. The variant allele was found at a frequency of 5e-05 in 158648 control chromosomes. The available data on variant occurrences in the general population are insufficient to allow any conclusion about variant significance. To our knowledge, no occurrence of c.889C>G in individuals affected with Renal Hypodysplasia/aplasia 3 and no experimental evidence demonstrating its impact on protein function have been reported. No submitters have cited clinical-significance assessments for this variant to ClinVar. Based on the evidence outlined above, the variant was classified as uncertain significance.